The following is an entry in ClinVar:

ClinVar aggregate classification (germline): Pathogenic/Likely pathogenic. Review status: criteria provided, multiple submitters, no conflicts (2 of 4 stars). 3 submissions from 3 submitters: Pathogenic (2); Likely pathogenic (1). Last evaluated 2025-01-22.

Conditions:
Alagille syndrome due to a JAG1 point mutation. Also called: HEPATIC DUCTULAR HYPOPLASIA, SYNDROMATIC; JAG1-Related Alagille Syndrome; Alagille Syndrome 1. Identifiers: Orphanet 261619, Orphanet 52, MedGen C1956125, MONDO:0016862, OMIM 118450.

Submissions (3):

3billion
Classification: Likely pathogenic for Alagille syndrome due to a JAG1 point mutation. Last evaluated: 2025-01-22. Review status: criteria provided, single submitter. Criteria: ACMG Guidelines, 2015. Collection method: clinical testing. Allele origin: germline. Affected: yes.
Comment: The variant is not observed in the gnomAD v4.1.0 dataset. Predicted Consequence/Location: Start-lost: reinitiation of translation may occur at a downstream alternate start codon but still result in a loss or disruption of normal protein function as there have been pathogenic variants reported upstream of the alternate start codon. The variant has been reported at least twice as pathogenic without evidence for the classification (ClinVar ID: VCV000213528). Therefore, this variant is classified as Likely pathogenic according to the recommendation of ACMG/AMP guideline.

Labcorp Genetics (formerly Invitae), Labcorp
Classification: Pathogenic for Alagille syndrome due to a JAG1 point mutation. Last evaluated: 2022-02-09. Review status: criteria provided, single submitter. Criteria: Invitae Variant Classification Sherloc (09022015). Collection method: clinical testing. Allele origin: germline.
Comment: This sequence change affects the initiator methionine of the JAG1 mRNA. The next in-frame methionine is located at codon 42. This variant is not present in population databases (gnomAD no frequency). This variant has not been reported in the literature in individuals affected with JAG1-related conditions. ClinVar contains an entry for this variant (Variation ID: 213528). This variant disrupts a region of the JAG1 protein in which other variant(s) (p.Leu37Ser) have been determined to be pathogenic (PMID: 11157803, 11180599). This suggests that this is a clinically significant region of the protein, and that variants that disrupt it are likely to be disease-causing. For these reasons, this variant has been classified as Pathogenic.

Eurofins Ntd Llc (ga)
Classification: Pathogenic. Last evaluated: 2017-08-03. Review status: criteria provided, single submitter. Criteria: EGL Classification Definitions 2015. Collection method: clinical testing. Allele origin: germline. Observed: 1 variant allele, 1 heterozygote.

Literature cited by the submitters: PubMed 11157803 (cited by Labcorp Genetics (formerly Invitae), Labcorp); PubMed 11180599 (cited by Labcorp Genetics (formerly Invitae), Labcorp).

NM_000214.3(JAG1):c.3G>A (p.Met1Ile)

Gene: JAG1 (jagged canonical Notch ligand 1; minus strand). Cytogenetic location: 20p12.2.
Variant type: single nucleotide variant.
Coding change: c.3G>A on transcript NM_000214.3 (MANE Select); coding-DNA position 3, G replaced by A.
Protein change: p.Met1Ile; changes the start codon (methionine 1).
Molecular consequence: missense variant, initiator codon variant.
Genome position (GRCh38, 1-based): chr20:10,673,528, C>T on the plus strand (G>A on the coding strand, the complement: JAG1 is on the minus strand). VCF-style: chr20-10673528-C-T. GRCh37 (hg19) VCF-style: chr20-10654176-C-T.
Other names: c.3G>A, p.Met1Ile (LRG_1191t1); short protein forms M1I.
Identifiers: ClinVar variation 213528 (VCV000213528.16), dbSNP rs1555831014, ClinGen allele CA322254.